The following is an entry in ClinVar:

ClinVar aggregate classification (germline): Uncertain significance. Review status: criteria provided, multiple submitters, no conflicts (2 of 4 stars). 2 submissions from 2 submitters: Uncertain significance (2). Last evaluated 2024-12-31.

Conditions:
Inborn genetic diseases. Identifiers: MedGen C0950123, MeSH D030342.
Lysinuric protein intolerance (LPI). Identifiers: Orphanet 470, MedGen C0268647, MONDO:0009109, OMIM 222700.

Allele frequency attached by ClinVar (database versions not stated): gnomAD exomes 0.00001.
gnomAD v4.1: 3 of 1,613,996 alleles (0.00019%); highest among the groups gnomAD compares: Non-Finnish European, 0.00025%; no homozygotes.

Submissions (2):

Ambry Genetics
Classification: Uncertain significance for Inborn genetic diseases. Last evaluated: 2024-12-31. Review status: criteria provided, single submitter. Criteria: Ambry Variant Classification Scheme 2023. Collection method: clinical testing. Allele origin: germline.

Labcorp Genetics (formerly Invitae), Labcorp
Classification: Uncertain significance for Lysinuric protein intolerance. Last evaluated: 2021-09-01. Review status: criteria provided, single submitter. Criteria: Invitae Variant Classification Sherloc (09022015). Collection method: clinical testing. Allele origin: germline.
Comment: This sequence change replaces lysine with asparagine at codon 99 of the SLC7A7 protein (p.Lys99Asn). The lysine residue is highly conserved and there is a moderate physicochemical difference between lysine and asparagine. This variant is not present in population databases (ExAC no frequency). This variant has not been reported in the literature in individuals affected with SLC7A7-related conditions. Algorithms developed to predict the effect of missense changes on protein structure and function (SIFT, PolyPhen-2, Align-GVGD) all suggest that this variant is likely to be disruptive. In summary, the available evidence is currently insufficient to determine the role of this variant in disease. Therefore, it has been classified as a Variant of Uncertain Significance.

NM_003982.4(SLC7A7):c.297A>C (p.Lys99Asn)

Gene: SLC7A7 (solute carrier family 7 member 7; minus strand). Cytogenetic location: 14q11.2.
Variant type: single nucleotide variant.
Coding change: c.297A>C on transcript NM_003982.4 (MANE Select); coding-DNA position 297, A replaced by C.
Protein change: p.Lys99Asn; replaces lysine 99 with asparagine.
Molecular consequence: missense variant.
Genome position (GRCh38, 1-based): chr14:22,813,102, T>G on the plus strand (A>C on the coding strand, the complement: SLC7A7 is on the minus strand). VCF-style: chr14-22813102-T-G. GRCh37 (hg19) VCF-style: chr14-23282311-T-G.
Other names: c.297A>C, p.Lys99Asn (NM_001126105.3, NM_001126106.4); short protein forms K99N.
Identifiers: ClinVar variation 569545 (VCV000569545.7), dbSNP rs761270703, ClinGen allele CA257714823.